The following is an entry in ClinVar:

NM_004104.5(FASN):c.5863C>T (p.Leu1955Phe)

Gene: FASN (fatty acid synthase; minus strand). Cytogenetic location: 17q25.3.
Variant type: single nucleotide variant.
Coding change: c.5863C>T on transcript NM_004104.5 (MANE Select); coding-DNA position 5863, C replaced by T.
Protein change: p.Leu1955Phe; replaces leucine 1955 with phenylalanine.
Molecular consequence: missense variant.
Genome position (GRCh38, 1-based): chr17:82,082,583, G>A on the plus strand (C>T on the coding strand, the complement: FASN is on the minus strand). VCF-style: chr17-82082583-G-A. GRCh37 (hg19) VCF-style: chr17-80040459-G-A.
Other names: short protein forms L1955F.
Identifiers: ClinVar variation 2767112 (VCV002767112.3), dbSNP rs775062676, ClinGen allele CA401534949.
Genomic context (GRCh38, chr17:82,082,583, plus strand): 5'-TCACCACGGCCAGGTTGAAGACGCCGCCCACGGGCCCAAGCTGCGCCGCCTCGGCAATGA[G>A]GCCCCGGGCCCCCTCCAGTGAGCTGATGTTGCTGGTGGACACCTGCACCTGTACGCCCTG-3'
Protein context (NP_004095.4, residues 1945-1965): NISSLEGARG[Leu1955Phe]IAEAAQLGPV

ClinVar aggregate classification (germline): Uncertain significance (1 of 4 stars; one submission).

Conditions:
Epileptic encephalopathy. Identifiers: MedGen C0543888, HP:0200134.

Submission:

Labcorp Genetics (formerly Invitae), Labcorp
Classification: Uncertain significance for Epileptic encephalopathy. Last evaluated: 2023-10-09. Review status: criteria provided, single submitter. Criteria: Invitae Variant Classification Sherloc (09022015). Collection method: clinical testing. Allele origin: germline.
Comment: This sequence change replaces leucine, which is neutral and non-polar, with phenylalanine, which is neutral and non-polar, at codon 1955 of the FASN protein (p.Leu1955Phe). This variant is not present in population databases (gnomAD no frequency). This variant has not been reported in the literature in individuals affected with FASN-related conditions. An algorithm developed to predict the effect of missense changes on protein structure and function (PolyPhen-2) suggests that this variant is likely to be disruptive. In summary, the available evidence is currently insufficient to determine the role of this variant in disease. Therefore, it has been classified as a Variant of Uncertain Significance.